The following is an entry in ClinVar:

ClinVar aggregate classification (germline): Uncertain significance. Review status: criteria provided, multiple submitters, no conflicts (2 of 4 stars). 3 submissions from 3 submitters: Uncertain significance (3). Last evaluated 2025-07-02.

Conditions:
Inborn genetic diseases. Identifiers: MedGen C0950123, MeSH D030342.

Allele frequency attached by ClinVar (database versions not stated): ExAC 0.00002; TOPMed 0.00003.
gnomAD v4.1: 13 of 1,613,474 alleles (0.00081%); highest among the groups gnomAD compares: Admixed American, 0.005%; no homozygotes.

Submissions (3):

Ambry Genetics
Classification: Uncertain significance for Inborn genetic diseases. Last evaluated: 2025-07-02. Review status: criteria provided, single submitter. Criteria: Ambry Variant Classification Scheme 2023. Collection method: clinical testing. Allele origin: germline.

Labcorp Genetics (formerly Invitae), Labcorp
Classification: Uncertain significance. Last evaluated: 2022-07-08. Review status: criteria provided, single submitter. Criteria: Invitae Variant Classification Sherloc (09022015). Collection method: clinical testing. Allele origin: germline.
Comment: This sequence change replaces proline, which is neutral and non-polar, with leucine, which is neutral and non-polar, at codon 313 of the MERTK protein (p.Pro313Leu). This variant is present in population databases (rs780578672, gnomAD 0.009%). This variant has not been reported in the literature in individuals affected with MERTK-related conditions. Algorithms developed to predict the effect of missense changes on protein structure and function (SIFT, PolyPhen-2, Align-GVGD) all suggest that this variant is likely to be disruptive. In summary, the available evidence is currently insufficient to determine the role of this variant in disease. Therefore, it has been classified as a Variant of Uncertain Significance.

Blueprint Genetics
Classification: Uncertain significance. Last evaluated: 2020-08-25. Review status: criteria provided, single submitter. Criteria: ACMG Guidelines, 2015. Collection method: clinical testing. Allele origin: germline.

NM_006343.3(MERTK):c.938C>T (p.Pro313Leu)

Gene: MERTK (MER proto-oncogene, tyrosine kinase; plus strand). Cytogenetic location: 2q13.
Variant type: single nucleotide variant.
Coding change: c.938C>T on transcript NM_006343.3 (MANE Select); coding-DNA position 938, C replaced by T.
Protein change: p.Pro313Leu; replaces proline 313 with leucine.
Molecular consequence: missense variant.
Genome position (GRCh38, 1-based): chr2:111,968,230, C>T. VCF-style: chr2-111968230-C-T. GRCh37 (hg19) VCF-style: chr2-112725807-C-T.
Other names: c.938C>T (NM_006343.2); short protein forms P313L.
Identifiers: ClinVar variation 1946529 (VCV001946529.4), dbSNP rs780578672, ClinGen allele CA1831227.